The following is an entry in ClinVar:

ClinVar aggregate classification (germline): Uncertain significance (1 of 4 stars; one submission).

Submission:

GeneDx
Classification: Uncertain significance. Last evaluated: 2025-02-07. Review status: criteria provided, single submitter. Criteria: GeneDx Variant Classification Process June 2021. Collection method: clinical testing. Allele origin: germline. Affected: yes.
Comment: Not observed at significant frequency in large population cohorts (gnomAD); Has not been previously published as pathogenic or benign to our knowledge; Canonical splice site variant in a gene for which loss-of-function is not a known mechanism of disease

NM_001037333.3(CYFIP2):c.1357-1G>C

Gene: CYFIP2 (cytoplasmic FMR1 interacting protein 2; plus strand). Cytogenetic location: 5q33.3.
Variant type: single nucleotide variant.
Coding change: c.1357-1G>C on transcript NM_001037333.3 (MANE Select); the canonical splice acceptor site of the intron before coding-DNA position 1357, G replaced by C.
Molecular consequence: splice acceptor variant.
Genome position (GRCh38, 1-based): chr5:157,319,761, G>C. VCF-style: chr5-157319761-G-C. GRCh37 (hg19) VCF-style: chr5-156746769-G-C.
Other names: c.1357-1G>C (NM_001291722.2, NM_014376.4); c.1279-1G>C (NM_001291721.2).
Identifiers: ClinVar variation 4074669 (VCV004074669.1).